The following is an entry in ClinVar:

ClinVar aggregate classification (germline): Likely pathogenic. Review status: reviewed by expert panel (3 of 4 stars). 2 submissions from 2 submitters: Likely pathogenic (1). 1 of the submissions does not count toward it. Last evaluated 2025-05-02.

Conditions:
Hereditary factor VIII deficiency disease (HEMA). Also called: AUTOSOMAL HEMOPHILIA A; Hemophilia A, congenital; HEM A; Factor 8 deficiency, congenital; HEMOPHILIA, CLASSIC; Hemophilia A. Identifiers: Orphanet 98878, MedGen C0019069, MONDO:0010602, OMIM 306700.

Submissions (2):

ClinGen Coagulation Factor Deficiency Variant Curation Expert Panel, Clingen
Classification: Likely pathogenic for Hereditary factor VIII deficiency disease. Last evaluated: 2025-05-02. Review status: reviewed by expert panel. Criteria: ClinGen CoagFactor ACMG Specifications F8 V1.0.0. Collection method: curation. Allele origin: germline. Inheritance: X-linked inheritance.
Comment: The c.7021G>A (p.Glu2341Lys) missense variant is absent from males in population databases (gnomAD v2.1.1/gnomAD v3) meeting PM2_Supporting. This missense variant has a REVEL score of 0.864 (>0.6) meeting PP3. This variant has been reported in at least five probands in the literature (PMID: 31829478, 21070499, 18691168, 33706050, 16879218) meeting phenotypic criteria for F8 (PP4_Moderate & PS4). In summary, based on the evidence available at this time, the clinical significance of this variant is likely pathogenic. ACMG/AMP criteria applied, as specified by the Coagulation Factor Deficiency Variant Curation Expert Panel for F8/F9: PS4, PP4_Moderate, PP3, PM2_Supporting.

ARUP Laboratories, Molecular Genetics and Genomics, ARUP Laboratories
Classification: Likely pathogenic for Hereditary factor VIII deficiency disease. Last evaluated: 2020-06-11. Review status: criteria provided, single submitter. Criteria: ARUP Molecular Germline Variant Investigation Process. Collection method: clinical testing. Allele origin: germline. Not counted in ClinVar's aggregate classification.
Comment: The F8 c.7021G>A; p.Glu2341Lys variant is reported in the literature in individuals affected with severe hemophilia A (Berber 2006, Gouw 2011, Green 2008). This variant is absent from general population databases (Exome Variant Server, Genome Aggregation Database), indicating it is not a common polymorphism. The glutamic acid at codon 2341 is highly conserved, and computational analyses (SIFT, PolyPhen-2) predict that this variant is deleterious. Based on available information, this variant is considered to be likely pathogenic. References: Berber E et al. DNA microarray analysis for the detection of mutations in hemophilia A. J Thromb Haemost. 2006;4(8):1756-1762. Gouw SC et al. Influence of the type of F8 gene mutation on inhibitor development in a single centre cohort of severe haemophilia A patients. Haemophilia. 2011;17(2):275-281. Green PM et al. Haemophilia A mutations in the UK: results of screening one-third of the population. Br J Haematol. 2008;143(1):115-128.

NM_000132.4(F8):c.7021G>A (p.Glu2341Lys)

Gene: F8 (coagulation factor VIII; minus strand). Cytogenetic location: Xq28.
Variant type: single nucleotide variant.
Coding change: c.7021G>A on transcript NM_000132.4 (MANE Select); coding-DNA position 7021, G replaced by A.
Protein change: p.Glu2341Lys; replaces glutamic acid 2341 with lysine.
Molecular consequence: missense variant.
Genome position (GRCh38, 1-based): chrX:154,837,632, C>T on the plus strand (G>A on the coding strand, the complement: F8 is on the minus strand). VCF-style: chrX-154837632-C-T. GRCh37 (hg19) VCF-style: chrX-154065907-C-T.
Other names: NM_000132.4(F8):c.7021G>A; p.Glu2341Lys; c.616G>A, p.Glu206Lys (NM_019863.3); short protein forms E206K, E2341K.
Identifiers: ClinVar variation 993916 (VCV000993916.8), dbSNP rs2072484280, ClinGen allele CA414896766.